The following is an entry in ClinVar:

NM_000256.3(MYBPC3):c.2967G>A (p.Glu989=)

Gene: MYBPC3 (myosin binding protein C3; minus strand). Cytogenetic location: 11p11.2.
Variant type: single nucleotide variant.
Coding change: c.2967G>A on transcript NM_000256.3 (MANE Select); coding-DNA position 2967, G replaced by A.
Protein change: p.Glu989=; no amino-acid change (glutamic acid 989 retained).
Molecular consequence: synonymous variant.
Genome position (GRCh38, 1-based): chr11:47,333,949, C>T on the plus strand (G>A on the coding strand, the complement: MYBPC3 is on the minus strand). VCF-style: chr11-47333949-C-T. GRCh37 (hg19) VCF-style: chr11-47355500-C-T.
Identifiers: ClinVar variation 3400412 (VCV003400412.3).

ClinVar aggregate classification (germline): Likely benign. Review status: criteria provided, multiple submitters, no conflicts (2 of 4 stars). 3 submissions from 3 submitters: Likely benign (3). Last evaluated 2025-08-21.

Conditions:
MYBPC3-related disorder. Also called: MYBPC3-related disorders; MYBPC3-related condition; MYBPC3-related disease.
Cardiovascular phenotype. Identifiers: MedGen CN230736.
Hypertrophic cardiomyopathy. Also called: HYPERTROPHIC MYOCARDIOPATHY. Identifiers: Orphanet 217569, MedGen C0007194, MeSH D002312, MONDO:0005045, HP:0001639.

gnomAD v4.1: 2 of 1,581,774 alleles (0.00013%); highest among the groups gnomAD compares: Non-Finnish European, 0.00017%; no homozygotes.

Submissions (3):

PreventionGenetics, part of Exact Sciences
Classification: Likely benign for MYBPC3-related condition. Last evaluated: 2025-08-21. Review status: criteria provided, single submitter. Criteria: ACMG Guidelines, 2015. Collection method: clinical testing. Allele origin: germline.
Comment: This variant is classified as likely benign based on ACMG/AMP sequence variant interpretation guidelines (Richards et al. 2015 PMID: 25741868, with internal and published modifications).

Labcorp Genetics (formerly Invitae), Labcorp
Classification: Likely benign for Hypertrophic cardiomyopathy. Last evaluated: 2025-04-13. Review status: criteria provided, single submitter. Criteria: Invitae Variant Classification Sherloc (09022015). Collection method: clinical testing. Allele origin: germline.

Ambry Genetics
Classification: Likely benign for Cardiovascular phenotype. Last evaluated: 2024-07-24. Review status: criteria provided, single submitter. Criteria: Ambry Variant Classification Scheme 2023. Collection method: clinical testing. Allele origin: germline.